The following is an entry in ClinVar:

NM_000222.3(KIT):c.194A>T (p.Lys65Ile)

Gene: KIT (KIT proto-oncogene, receptor tyrosine kinase; plus strand). Cytogenetic location: 4q12.
Variant type: single nucleotide variant.
Coding change: c.194A>T on transcript NM_000222.3 (MANE Select); coding-DNA position 194, A replaced by T.
Protein change: p.Lys65Ile; replaces lysine 65 with isoleucine.
Molecular consequence: missense variant.
Genome position (GRCh38, 1-based): chr4:54,695,638, A>T. VCF-style: chr4-54695638-A-T. GRCh37 (hg19) VCF-style: chr4-55561804-A-T.
Other names: c.194A>T, p.Lys65Ile (NM_001093772.2, NM_001385284.1, NM_001385285.1 and 4 more transcripts); short protein forms K65I.
Identifiers: ClinVar variation 950950 (VCV000950950.10), dbSNP rs1560393475, ClinGen allele CA356897030.

ClinVar aggregate classification (germline): Uncertain significance (1 of 4 stars; one submission).

Conditions:
Gastrointestinal stromal tumor. Also called: Gastrointestinal stromal tumor, somatic; Gastrointestinal stroma tumor. Identifiers: Orphanet 44890, MedGen C0238198, MeSH D046152, MONDO:0011719, OMIM 606764, HP:0100723.

Submission:

Labcorp Genetics (formerly Invitae), Labcorp
Classification: Uncertain significance for Gastrointestinal stromal tumor. Last evaluated: 2019-06-06. Review status: criteria provided, single submitter. Criteria: Invitae Variant Classification Sherloc (09022015). Collection method: clinical testing. Allele origin: germline.
Comment: In summary, the available evidence is currently insufficient to determine the role of this variant in disease. Therefore, it has been classified as a Variant of Uncertain Significance. Algorithms developed to predict the effect of missense changes on protein structure and function are either unavailable or do not agree on the potential impact of this missense change (SIFT: "Deleterious"; PolyPhen-2: "Possibly Damaging"; Align-GVGD: "Class C0"). This variant has not been reported in the literature in individuals with KIT-related conditions. This variant is not present in population databases (ExAC no frequency). This sequence change replaces lysine with isoleucine at codon 65 of the KIT protein (p.Lys65Ile). The lysine residue is moderately conserved and there is a moderate physicochemical difference between lysine and isoleucine.